The following is an entry in ClinVar:

ClinVar aggregate classification (germline): Uncertain significance. Review status: criteria provided, multiple submitters, no conflicts (2 of 4 stars). 2 submissions from 2 submitters: Uncertain significance (2). Last evaluated 2026-02-01.

Conditions:
Hereditary cancer-predisposing syndrome. Also called: Tumor predisposition; Neoplastic Syndromes, Hereditary; Hereditary Cancer Syndrome; Hereditary neoplastic syndrome. Identifiers: Orphanet 140162, MedGen C0027672, MeSH D009386, MONDO:0015356.
POLD1-related polyposis and colorectal cancer syndrome (CRCS10). Also called: Colorectal cancer 10; COLORECTAL CANCER, SUSCEPTIBILITY TO, ON CHROMOSOME 19q; Colorectal cancer, susceptibility to, 10. Identifiers: Orphanet 220460, MedGen C2675481, MONDO:0012953, OMIM 612591.

Allele frequency attached by ClinVar (database versions not stated): gnomAD 0.00001; TOPMed 0.00002.
gnomAD v4.1: 2 of 1,614,000 alleles (0.00012%); highest among the groups gnomAD compares: African/African-American, 0.0027%; no homozygotes.

Submissions (2):

Labcorp Genetics (formerly Invitae), Labcorp
Classification: Uncertain significance for POLD1-related polyposis and colorectal cancer syndrome. Last evaluated: 2026-02-01. Review status: criteria provided, single submitter. Criteria: Invitae Variant Classification Sherloc (09022015). Collection method: clinical testing. Allele origin: germline.
Comment: This sequence change replaces proline, which is neutral and non-polar, with serine, which is neutral and polar, at codon 158 of the POLD1 protein (p.Pro158Ser). This variant is not present in population databases (gnomAD no frequency). This variant has not been reported in the literature in individuals affected with POLD1-related conditions. ClinVar contains an entry for this variant (Variation ID: 572702). Invitae Evidence Modeling of protein sequence and biophysical properties (such as structural, functional, and spatial information, amino acid conservation, physicochemical variation, residue mobility, and thermodynamic stability) indicates that this missense variant is not expected to disrupt POLD1 protein function with a negative predictive value of 80%. In summary, the available evidence is currently insufficient to determine the role of this variant in disease. Therefore, it has been classified as a Variant of Uncertain Significance.

Ambry Genetics
Classification: Uncertain significance for Hereditary cancer-predisposing syndrome. Last evaluated: 2025-11-26. Review status: criteria provided, single submitter. Criteria: Ambry Variant Classification Scheme 2023. Collection method: clinical testing. Allele origin: germline.
Comment: The p.P158S variant (also known as c.472C>T), located in coding exon 4 of the POLD1 gene, results from a C to T substitution at nucleotide position 472. The proline at codon 158 is replaced by serine, an amino acid with similar properties. This amino acid position is conserved. In addition, this alteration is predicted to be tolerated by in silico analysis. Since supporting evidence is limited at this time, the clinical significance of this alteration remains unclear.

NM_002691.4(POLD1):c.472C>T (p.Pro158Ser)

Gene: POLD1 (DNA polymerase delta 1, catalytic subunit; plus strand). Cytogenetic location: 19q13.33.
Variant type: single nucleotide variant.
Coding change: c.472C>T on transcript NM_002691.4 (MANE Select); coding-DNA position 472, C replaced by T.
Protein change: p.Pro158Ser; replaces proline 158 with serine.
Molecular consequence: missense variant. On other transcripts: non-coding transcript variant (1).
Genome position (GRCh38, 1-based): chr19:50,402,007, C>T. VCF-style: chr19-50402007-C-T. GRCh37 (hg19) VCF-style: chr19-50905264-C-T.
Other names: c.472C>T, p.Pro158Ser (NM_001256849.1, NM_001308632.1); c.472C>T (NM_002691.2); short protein forms P158S.
Identifiers: ClinVar variation 572702 (VCV000572702.10), dbSNP rs995091173, ClinGen allele CA309599259.